The following is an entry in ClinVar:

NM_001042492.3(NF1):c.2747A>T (p.Asn916Ile)

Gene: NF1 (neurofibromin 1; plus strand). Cytogenetic location: 17q11.2.
Variant type: single nucleotide variant.
Coding change: c.2747A>T on transcript NM_001042492.3 (MANE Select); coding-DNA position 2747, A replaced by T.
Protein change: p.Asn916Ile; replaces asparagine 916 with isoleucine.
Molecular consequence: missense variant.
Genome position (GRCh38, 1-based): chr17:31,229,362, A>T. VCF-style: chr17-31229362-A-T. GRCh37 (hg19) VCF-style: chr17-29556380-A-T.
Other names: c.2747A>T, p.Asn916Ile (NM_000267.4); short protein forms N916I.
Identifiers: ClinVar variation 1485762 (VCV001485762.8), dbSNP rs765043916, ClinGen allele CA398985329.

ClinVar aggregate classification (germline): Uncertain significance (1 of 4 stars; one submission).

Conditions:
Neurofibromatosis, type 1 (NF1). Also called: NEUROFIBROMATOSIS, TYPE I, SOMATIC; Neurofibromatosis, type I; VON RECKLINGHAUSEN DISEASE; Peripheral type neurofibromatosis. Identifiers: Orphanet 636, MedGen C0027831, MONDO:0018975, OMIM 162200. Disease mechanism: loss of function.

Submission:

Labcorp Genetics (formerly Invitae), Labcorp
Classification: Uncertain significance for Neurofibromatosis, type 1. Last evaluated: 2021-09-18. Review status: criteria provided, single submitter. Criteria: Invitae Variant Classification Sherloc (09022015). Collection method: clinical testing. Allele origin: germline.
Comment: In summary, the available evidence is currently insufficient to determine the role of this variant in disease. Therefore, it has been classified as a Variant of Uncertain Significance. Algorithms developed to predict the effect of missense changes on protein structure and function are either unavailable or do not agree on the potential impact of this missense change (SIFT: "Deleterious"; PolyPhen-2: "Probably Damaging"; Align-GVGD: "Class C0"). This variant has not been reported in the literature in individuals with NF1-related conditions. This variant is not present in population databases (ExAC no frequency). This sequence change replaces asparagine with isoleucine at codon 916 of the NF1 protein (p.Asn916Ile). The asparagine residue is highly conserved and there is a large physicochemical difference between asparagine and isoleucine.